The following is an entry in ClinVar:

ClinVar aggregate classification (germline): Uncertain significance (1 of 4 stars; one submission).

Conditions:
SCAPER-related disorder. Also called: SCAPER-related condition.

gnomAD v4.1: 14 of 1,613,656 alleles (0.00087%); highest among the groups gnomAD compares: Non-Finnish European, 0.00085%; no homozygotes.

Submission:

PreventionGenetics, part of Exact Sciences
Classification: Uncertain significance for SCAPER-related condition. Last evaluated: 2024-11-27. Review status: criteria provided, single submitter. Criteria: ACMG Guidelines, 2015. Collection method: clinical testing. Allele origin: germline.
Comment: The SCAPER c.862G>A variant is predicted to result in the amino acid substitution p.Ala288Thr. To our knowledge, this variant has not been reported in the literature. This variant is reported in 0.00089% of alleles in individuals of European (Non-Finnish) descent in gnomAD. At this time, the clinical significance of this variant is uncertain due to the absence of conclusive functional and genetic evidence.

NM_020843.4(SCAPER):c.862G>A (p.Ala288Thr)

Gene: SCAPER (S-phase cyclin A associated protein in the ER; minus strand). Cytogenetic location: 15q24.3.
Variant type: single nucleotide variant.
Coding change: c.862G>A on transcript NM_020843.4 (MANE Select); coding-DNA position 862, G replaced by A.
Protein change: p.Ala288Thr; replaces alanine 288 with threonine.
Molecular consequence: missense variant. On other transcripts: non-coding transcript variant (1).
Genome position (GRCh38, 1-based): chr15:76,775,028, C>T on the plus strand (G>A on the coding strand, the complement: SCAPER is on the minus strand). VCF-style: chr15-76775028-C-T. GRCh37 (hg19) VCF-style: chr15-77067369-C-T.
Other names: c.124G>A, p.Ala42Thr (NM_001145923.2); c.862G>A, p.Ala288Thr (NM_001353009.2); c.460G>A, p.Ala154Thr (NM_001353010.2, NM_001353011.2, NM_001353012.2); short protein forms A288T, A42T, A154T.
Identifiers: ClinVar variation 5002545 (VCV005002545.1).